The following is an entry in ClinVar:

ClinVar aggregate classification (germline): Benign/Likely benign. Review status: criteria provided, multiple submitters, no conflicts (2 of 4 stars). 6 submissions from 6 submitters: Benign (3); Likely benign (3). Last evaluated 2026-07-01.

Allele frequency attached by ClinVar (database versions not stated): gnomAD exomes 0.00513 and 0.00759; gnomAD 0.00514 and 0.00515; TOPMed 0.00547; ESP Exome Variant Server 0.00600; 1000 Genomes Project 0.00200; 1000 Genomes Project 30x 0.00219; ExAC 0.00496.
gnomAD v4.1: 11,838 of 1,611,816 alleles (0.73%); highest among the groups gnomAD compares: Middle Eastern, 1.2%; 57 homozygotes.

Submissions (6):

CeGaT Center for Human Genetics Tuebingen
Classification: Likely benign. Last evaluated: 2026-07-01. Review status: criteria provided, single submitter. Criteria: CeGaT Center For Human Genetics Tuebingen Variant Classification Criteria Version 2. Collection method: clinical testing. Allele origin: germline. Affected: yes. Observed: 14 variant alleles.
Comment: DNASE2: BP4, BS2

Women's Health and Genetics/Laboratory Corporation of America, LabCorp
Classification: Likely benign. Last evaluated: 2026-02-06. Review status: criteria provided, single submitter. Criteria: LabCorp Variant Classification Summary - May 2015. Collection method: clinical testing. Allele origin: germline.
Comment: Variant summary: DNASE2 c.134C>G (p.Ala45Gly) results in a non-conservative amino acid change in the encoded protein sequence. Algorithms developed to predict the effect of missense changes on protein structure and function are either unavailable or do not agree on the potential impact of this missense change. The variant allele was found at a frequency of 0.0051 in 247730 control chromosomes, predominantly at a frequency of 0.0079 within the Non-Finnish European subpopulation in the gnomAD database, including 2 homozygotes. The observed variant frequency within Non-Finnish European control individuals in the gnomAD database exceeds the estimated maximal expected allele frequency for disease-causing variants in DNASE2. To our knowledge, no occurrence of c.134C>G in individuals affected with DNASE2-related conditions and no experimental evidence demonstrating its impact on protein function have been reported. ClinVar contains an entry for this variant (Variation ID: 1169795). Based on the evidence outlined above, the variant was classified as likely benign.

Labcorp Genetics (formerly Invitae), Labcorp
Classification: Benign. Last evaluated: 2026-02-03. Review status: criteria provided, single submitter. Criteria: Invitae Variant Classification Sherloc (09022015). Collection method: clinical testing. Allele origin: germline.

Blueprint Genetics
Classification: Likely benign. Last evaluated: 2024-11-28. Review status: criteria provided, single submitter. Criteria: ACMG Guidelines, 2015. Collection method: clinical testing. Allele origin: germline.

Mayo Clinic Laboratories, Mayo Clinic
Classification: Benign. Last evaluated: 2023-11-09. Review status: criteria provided, single submitter. Criteria: ACMG Guidelines, 2015. Collection method: clinical testing. Allele origin: germline. Observed: 7 variant alleles.
Comment: BS1, BS2, BP4

Breakthrough Genomics
Classification: Benign. Review status: criteria provided, single submitter. Criteria: ACMG Guidelines, 2015. Collection method: not provided. Allele origin: germline. Inheritance: Autosomal recessive inheritance. Affected: yes.

Literature cited by the submitters: PubMed 31664448 (cited by Women's Health and Genetics/Laboratory Corporation of America, LabCorp); PubMed 23019102 (cited by Women's Health and Genetics/Laboratory Corporation of America, LabCorp and Mayo Clinic Laboratories, Mayo Clinic); PubMed 32439764 (cited by Women's Health and Genetics/Laboratory Corporation of America, LabCorp); PubMed 24242851 (cited by Women's Health and Genetics/Laboratory Corporation of America, LabCorp and Mayo Clinic Laboratories, Mayo Clinic).

NM_001375.3(DNASE2):c.134C>G (p.Ala45Gly)

Genes: DNASE2 (deoxyribonuclease 2, lysosomal; minus strand), LOC117125588 (CRISPRi-FlowFISH-validated KLF1 regulatory element 1; plus strand). Cytogenetic location: 19p13.13.
Variant type: single nucleotide variant.
Coding change: c.134C>G on transcript NM_001375.3 (MANE Select); coding-DNA position 134, C replaced by G.
Protein change: p.Ala45Gly; replaces alanine 45 with glycine.
Molecular consequence: missense variant.
Genome position (GRCh38, 1-based): chr19:12,881,105, G>C on the plus strand (C>G on the coding strand, the complement: DNASE2 is on the minus strand). VCF-style: chr19-12881105-G-C. GRCh37 (hg19) VCF-style: chr19-12991919-G-C.
Other names: p.Ala45Gly; short protein forms A45G.
Identifiers: ClinVar variation 1169795 (VCV001169795.38), dbSNP rs112348773, ClinGen allele CA9233879.
Genomic context (GRCh38, chr19:12,881,105, plus strand): 5'-CTGCCGTCCCGCCAGCCTCCGGAGCTCTCGTCCAGATACTTGTACTGCAGCCCTCTCTGC[G>C]CCGCCTCCCCGGACCCTCTAAGAGCTGGCAGCTTGTAGACCACGAACCTGGAGGTCGGAG-3'
Protein context (NP_001366.1, residues 35-55): LPALRGSGEA[Ala45Gly]QRGLQYKYLD